The following is an entry in ClinVar:

NM_014141.6(CNTNAP2):c.209-28_209-15del

Gene: CNTNAP2 (contactin associated protein 2; plus strand). Cytogenetic location: 7q35.
Variant type: Deletion.
Coding change: c.209-28_209-15del on transcript NM_014141.6 (MANE Select); 28 bases into the intron before coding-DNA position 209 through 15 bases into the intron before coding-DNA position 209, 14 bases deleted (TTCCCATCTTACCT).
Molecular consequence: intron variant.
Genome position (GRCh38, 1-based): chr7:146,839,683-146,839,696, TTCCCATCTTACCT deleted; deleting any 14 consecutive bases within chr7:146,839,682-146,839,696 gives the same sequence; the c. name uses the placement nearest the transcript's 3' end. VCF-style (leftmost placement, unchanged base first): chr7-146839681-TTTTCCCATCTTACC-T. GRCh37 (hg19) VCF-style: chr7-146536773-TTTTCCCATCTTACC-T.
Other names: c.209-28_209-15delTTCCCATCTTACCT (NM_014141.5).
Identifiers: ClinVar variation 421165 (VCV000421165.1), dbSNP rs1064794953, ClinGen allele CA16618370.

ClinVar aggregate classification (germline): Likely benign (1 of 4 stars; one submission).

Submission:

GeneDx
Classification: Likely benign. Last evaluated: 2016-05-12. Review status: criteria provided, single submitter. Criteria: GeneDx Variant Classification (06012015). Collection method: clinical testing. Allele origin: germline. Affected: yes.
Comment: This variant is considered likely benign or benign based on one or more of the following criteria: it is a conservative change, it occurs at a poorly conserved position in the protein, it is predicted to be benign by multiple in silico algorithms, and/or has population frequency not consistent with disease.